The following is an entry in ClinVar:

ClinVar aggregate classification (germline): Uncertain significance. Review status: criteria provided, multiple submitters, no conflicts (2 of 4 stars). 2 submissions from 2 submitters: Uncertain significance (2). Last evaluated 2024-05-20.

Conditions:
Primary hypomagnesemia (HOMG3). Also called: HYPOMAGNESEMIA 3, RENAL; HYPOMAGNESEMIA, FAMILIAL, WITH HYPERCALCIURIA AND NEPHROCALCINOSIS; HYPOMAGNESEMIA, ISOLATED RENAL; HYPOMAGNESEMIA, PRIMARY, DUE TO DEFECT IN RENAL TUBULAR TRANSPORT OF MAGNESIUM. Identifiers: Orphanet 31043, MedGen C0268448, MONDO:0009550, OMIM 248250.

Allele frequency attached by ClinVar (database versions not stated): TOPMed below 0.00001.

Submissions (2):

Fulgent Genetics
Classification: Uncertain significance for Primary hypomagnesemia. Last evaluated: 2024-05-20. Review status: criteria provided, single submitter. Criteria: ACMG Guidelines, 2015. Collection method: clinical testing. Allele origin: germline.

Neuberg Centre For Genomic Medicine, NCGM
Classification: Uncertain significance for Primary hypomagnesemia. Review status: criteria provided, single submitter. Criteria: ACMG Guidelines, 2015. Collection method: clinical testing. Allele origin: germline. Inheritance: Autosomal recessive inheritance. Affected: yes.
Comment: The missense c.47C>T (p.Ser16Phe) variant in CLDN16 gene has not been reported previously as a pathogenic variant nor as a benign variant, to our knowledge. The variant is novel (not in any individuals) in gnomAD Exomes and 1000 Genomes. The amino acid Ser at position 16 is changed to a Phe changing protein sequence and it might alter its composition and physico-chemical properties. The amino acid change p.Ser16Phe in CLDN16 is predicted as conserved by GERP++ and PhyloP across 100 vertebrates. For these reasons, this variant has been classified as Uncertain Significance.

NM_006580.4(CLDN16):c.47C>T (p.Ser16Phe)

Gene: CLDN16 (claudin 16; plus strand). Cytogenetic location: 3q28.
Variant type: single nucleotide variant.
Coding change: c.47C>T on transcript NM_006580.4 (MANE Select); coding-DNA position 47, C replaced by T.
Protein change: p.Ser16Phe; replaces serine 16 with phenylalanine.
Molecular consequence: missense variant.
Genome position (GRCh38, 1-based): chr3:190,388,376, C>T. VCF-style: chr3-190388376-C-T. GRCh37 (hg19) VCF-style: chr3-190106165-C-T.
Other names: c.47C>T, p.Ser16Phe (NM_001378492.1, NM_001378493.1); short protein forms S16F.
Identifiers: ClinVar variation 2585141 (VCV002585141.2), dbSNP rs1718563800, ClinGen allele CA355762638.